The following is an entry in ClinVar:

NM_015141.4(GPD1L):c.618+17G>C

Gene: GPD1L (glycerol-3-phosphate dehydrogenase 1 like; plus strand). Cytogenetic location: 3p22.3.
Variant type: single nucleotide variant.
Coding change: c.618+17G>C on transcript NM_015141.4 (MANE Select); 17 bases into the intron after coding-DNA position 618, G replaced by C.
Molecular consequence: intron variant.
Genome position (GRCh38, 1-based): chr3:32,146,751, G>C. VCF-style: chr3-32146751-G-C. GRCh37 (hg19) VCF-style: chr3-32188243-G-C.
Identifiers: ClinVar variation 391283 (VCV000391283.3), dbSNP rs775325609, ClinGen allele CA16604519.

ClinVar aggregate classification (germline): Likely benign. Review status: criteria provided, multiple submitters, no conflicts (2 of 4 stars). 2 submissions from 2 submitters: Likely benign (2). Last evaluated 2024-09-02.

Conditions:
Brugada syndrome. Also called: Sudden unexpected nocturnal death syndrome; Sudden unexplained nocturnal death syndrome; Sudden Unexplained Death Syndrome; Sudden Unexplained Nocturnal Death Syndrome (SUNDS). Identifiers: Orphanet 130, MedGen C1142166, MONDO:0015263.

Allele frequency attached by ClinVar (database versions not stated): gnomAD exomes below 0.00001.
gnomAD v4.1: 3 of 1,424,140 alleles (0.00021%); highest among the groups gnomAD compares: Non-Finnish European, 0.0003%; no homozygotes.

Submissions (2):

Labcorp Genetics (formerly Invitae), Labcorp
Classification: Likely benign for Brugada syndrome. Last evaluated: 2024-09-02. Review status: criteria provided, single submitter. Criteria: Invitae Variant Classification Sherloc (09022015). Collection method: clinical testing. Allele origin: germline.

GeneDx
Classification: Likely benign. Last evaluated: 2016-11-29. Review status: criteria provided, single submitter. Criteria: GeneDx Variant Classification (06012015). Collection method: clinical testing. Allele origin: germline. Affected: yes.
Comment: This variant is considered likely benign or benign based on one or more of the following criteria: it is a conservative change, it occurs at a poorly conserved position in the protein, it is predicted to be benign by multiple in silico algorithms, and/or has population frequency not consistent with disease.